The following is an entry in ClinVar:

NM_152703.5(SAMD9L):c.4069A>G (p.Met1357Val)

Gene: SAMD9L (sterile alpha motif domain containing 9 like; minus strand). Cytogenetic location: 7q21.2.
Variant type: single nucleotide variant.
Coding change: c.4069A>G on transcript NM_152703.5 (MANE Select); coding-DNA position 4069, A replaced by G.
Protein change: p.Met1357Val; replaces methionine 1357 with valine.
Molecular consequence: missense variant.
Genome position (GRCh38, 1-based): chr7:93,131,903, T>C on the plus strand (A>G on the coding strand, the complement: SAMD9L is on the minus strand). VCF-style: chr7-93131903-T-C. GRCh37 (hg19) VCF-style: chr7-92761216-T-C.
Other names: c.4069A>G (NM_152703.2); c.4069A>G, p.Met1357Val (NM_001303496.3, NM_001303497.3, NM_001303498.3 and 5 more transcripts); short protein forms M1357V.
Identifiers: ClinVar variation 2794436 (VCV002794436.4), dbSNP rs1792123721, ClinGen allele CA368177587.

ClinVar aggregate classification (germline): Uncertain significance. Review status: criteria provided, multiple submitters, no conflicts (2 of 4 stars). 2 submissions from 2 submitters: Uncertain significance (2). Last evaluated 2025-03-20.

Conditions:
Inborn genetic diseases. Identifiers: MedGen C0950123, MeSH D030342.

Allele frequency attached by ClinVar (database versions not stated): gnomAD exomes below 0.00001; TOPMed below 0.00001.

Submissions (2):

Ambry Genetics
Classification: Uncertain significance for Inborn genetic diseases. Last evaluated: 2025-03-20. Review status: criteria provided, single submitter. Criteria: Ambry Variant Classification Scheme 2023. Collection method: clinical testing. Allele origin: germline.
Comment: The p.M1357V variant (also known as c.4069A>G), located in coding exon 1 of the SAMD9L gene, results from an A to G substitution at nucleotide position 4069. The methionine at codon 1357 is replaced by valine, an amino acid with highly similar properties. This amino acid position is conserved. In addition, this alteration is predicted to be tolerated by in silico analysis. Based on the available evidence, the clinical significance of this variant remains unclear.

Labcorp Genetics (formerly Invitae), Labcorp
Classification: Uncertain significance. Last evaluated: 2023-10-14. Review status: criteria provided, single submitter. Criteria: Invitae Variant Classification Sherloc (09022015). Collection method: clinical testing. Allele origin: germline.
Comment: This sequence change replaces methionine, which is neutral and non-polar, with valine, which is neutral and non-polar, at codon 1357 of the SAMD9L protein (p.Met1357Val). This variant is not present in population databases (gnomAD no frequency). This variant has not been reported in the literature in individuals affected with SAMD9L-related conditions. Advanced modeling of protein sequence and biophysical properties (such as structural, functional, and spatial information, amino acid conservation, physicochemical variation, residue mobility, and thermodynamic stability) performed at Invitae indicates that this missense variant is not expected to disrupt SAMD9L protein function. In summary, the available evidence is currently insufficient to determine the role of this variant in disease. Therefore, it has been classified as a Variant of Uncertain Significance.